The following is an entry in ClinVar:

ClinVar aggregate classification (germline): Uncertain significance (1 of 4 stars; one submission).

Conditions:
Familial adenomatous polyposis 1 (FAP1). Also called: FAMILIAL ADENOMATOUS POLYPOSIS 1, ATTENUATED; POLYPOSIS, ADENOMATOUS INTESTINAL. Identifiers: MedGen C2713442, MONDO:0021056, OMIM 175100. Disease mechanism: loss of function.

Submission:

Labcorp Genetics (formerly Invitae), Labcorp
Classification: Uncertain significance for Familial adenomatous polyposis 1. Last evaluated: 2021-10-13. Review status: criteria provided, single submitter. Criteria: Invitae Variant Classification Sherloc (09022015). Collection method: clinical testing. Allele origin: germline.
Comment: This variant occurs in a non-coding region of the APC gene. It does not change the encoded amino acid sequence of the APC protein. The frequency data for this variant in the population databases is considered unreliable, as metrics indicate insufficient coverage at this position in the ExAC database. This variant has not been reported in the literature in individuals affected with APC-related conditions. ClinVar contains an entry for this variant (Variation ID: 469815). Experimental studies and prediction algorithms are not available or were not evaluated, and the functional significance of this variant is currently unknown. In summary, the available evidence is currently insufficient to determine the role of this variant in disease. Therefore, it has been classified as a Variant of Uncertain Significance.

NM_001127511.3(APC):c.-83C>A

Gene: APC (APC regulator of Wnt signaling pathway; plus strand). Cytogenetic location: 5q22.2.
Variant type: single nucleotide variant.
Coding change: c.-83C>A on transcript NM_001127511.3; 83 bases upstream of the start codon, C replaced by A.
Molecular consequence: 5 prime UTR variant. On other transcripts: non-coding transcript variant (2).
Genome position (GRCh38, 1-based): chr5:112,707,635, C>A. VCF-style: chr5-112707635-C-A. GRCh37 (hg19) VCF-style: chr5-112043332-C-A.
Other names: c.-266C>A (NM_001354895.2, NM_001407447.1, NM_001407452.1 and 3 more transcripts); c.-83C>A (NM_001354897.2, NM_001354902.2, NM_001407446.1); c.-33C>A (NM_001407448.1, NM_001407450.1, NM_001407457.1 and 1 more transcripts); c.-57C>A (NM_001407453.1); c.-1301C>A (NM_001407470.1, NM_001407472.1).
Identifiers: ClinVar variation 469815 (VCV000469815.6), dbSNP rs1306105402, ClinGen allele CA658655898.